The following is an entry in ClinVar:

NM_177438.3(DICER1):c.4621A>T (p.Lys1541Ter)

Gene: DICER1 (dicer 1, ribonuclease III; minus strand). Cytogenetic location: 14q32.13.
Variant type: single nucleotide variant.
Coding change: c.4621A>T on transcript NM_177438.3 (MANE Select); coding-DNA position 4621, A replaced by T.
Protein change: p.Lys1541Ter; replaces lysine 1541 with a stop codon.
Molecular consequence: nonsense.
Genome position (GRCh38, 1-based): chr14:95,096,299, T>A on the plus strand (A>T on the coding strand, the complement: DICER1 is on the minus strand). VCF-style: chr14-95096299-T-A. GRCh37 (hg19) VCF-style: chr14-95562636-T-A.
Other names: c.4621A>T, p.Lys1541Ter (NM_001195573.1, NM_001271282.3, NM_001291628.2 and 1 more transcripts); short protein forms K1541*.
Identifiers: ClinVar variation 254338 (VCV000254338.6), dbSNP rs886037718, ClinGen allele CA10586412.
Genomic context (GRCh38, chr14:95,096,299, plus strand): 5'-CCGCTATGCTTTTGTCAGCAATACACTGCTCAGTGTGCAAGTCGTAAGAAATGGACTGCT[T>A]TCCCGTGTCAACACCACAGTTTTCTTCTGATGGATTCCAGAACCCCACCACAAAGTCATC-3'

ClinVar aggregate classification (germline): Pathogenic. Review status: criteria provided, multiple submitters, no conflicts (2 of 4 stars). 3 submissions from 3 submitters: Pathogenic (3). Last evaluated 2019-07-01.

Conditions:
DICER1-related tumor predisposition. Also called: DICER1 syndrome; DICER1-related pleuropulmonary blastoma cancer predisposition syndrome. Identifiers: Orphanet 284343, MedGen C3839822, MONDO:0100216.
Hereditary cancer-predisposing syndrome. Also called: Tumor predisposition; Hereditary Cancer Syndrome; Neoplastic Syndromes, Hereditary; Hereditary neoplastic syndrome. Identifiers: Orphanet 140162, MedGen C0027672, MeSH D009386, MONDO:0015356.

Submissions (3):

Foulkes Cancer Genetics LDI, Lady Davis Institute for Medical Research
Classification: Pathogenic for Pleuropulmonary blastoma. Last evaluated: 2019-07-01. Review status: criteria provided, single submitter. Criteria: ACMG Guidelines, 2015. Collection method: curation. Allele origin: germline. Affected: yes. Observed: 1 variant allele.
Comment: ACMG criteria met: PVS1, PM2, PP4

International Pleuropulmonary Blastoma Registry, Children's Hospitals and Clinics of Minnesota
Classification: Pathogenic for Pleuropulmonary blastoma. Last evaluated: 2014-11-10. Review status: criteria provided, single submitter. Criteria: Hill et al. (Science. 2009). Collection method: clinical testing. Allele origin: germline. Affected: yes. Study: PPB-DICER1 Genetic study.

Ambry Genetics
Classification: Pathogenic for Hereditary cancer-predisposing syndrome. Last evaluated: 2012-05-17. Review status: criteria provided, single submitter. Criteria: Ambry Autosomal Dominant and X-Linked criteria (10/2015). Collection method: clinical testing. Allele origin: germline. Observed: 1 variant allele.
Comment: This alteration is expected to result in loss of function by premature protein truncation or nonsense-mediatedâ€¯mRNAâ€¯decay.â€¯As such, this alteration is interpreted as a disease-causing mutation.

Literature cited by the submitters: PubMed 26925222 (cited by Foulkes Cancer Genetics LDI, Lady Davis Institute for Medical Research and International Pleuropulmonary Blastoma Registry, Children's Hospitals and Clinics of Minnesota).